The following is an entry in ClinVar:

ClinVar aggregate classification (germline): Uncertain significance (1 of 4 stars; one submission).

Submission:

GeneDx
Classification: Uncertain significance. Last evaluated: 2014-07-28. Review status: criteria provided, single submitter. Criteria: GeneDx Variant Classification (06012015). Collection method: clinical testing. Allele origin: germline. Affected: yes.
Comment: p.Pro370Leu (CCC>CTC): c.1109 C>T in exon 8 of the LDB3 gene (NM_007078.2). Mutations in the LDB3 gene have been reported in patients with autosomal dominant familial dilated cardiomyopathy (DCM), however it is currently not known what percentage of individuals with familial DCM have a mutation in the LDB3 gene (Hershberger et al., 2009). The P370L variant has not been published as a mutation or as a benign polymorphism to our knowledge. The P370L variant was not observed in approximately 6,500 individuals of European and African American ancestry in the NHLBI Exome Sequencing Project, indicating it is not a common benign variant in these populations. In addition, the P370L variant is a semi-conservative amino acid substitution, which may impact secondary protein structure as these residues differ in some properties. Nevertheless, this substitution occurs at a position that is not conserved across species. Moreover, in silico analysis predicts this variant likely does not alter the protein structure/function. Furthermore, no missense mutations in nearby residues have been reported in association with DCM, indicating this region of the protein may be tolerant of change. Therefore, based on the currently available information, it is unclear whether this variant is a pathogenic mutation or a rare benign variant. The variant is found in CARDIOMYOPATHY panel(s).

NM_007078.3(LDB3):c.1109C>T (p.Pro370Leu)

Gene: LDB3 (LIM domain binding 3; plus strand). Cytogenetic location: 10q23.2.
Variant type: single nucleotide variant.
Coding change: c.1109C>T on transcript NM_007078.3 (MANE Select); coding-DNA position 1109, C replaced by T.
Protein change: p.Pro370Leu; replaces proline 370 with leucine.
Molecular consequence: missense variant.
Genome position (GRCh38, 1-based): chr10:86,709,928, C>T. VCF-style: chr10-86709928-C-T. GRCh37 (hg19) VCF-style: chr10-88469685-C-T.
Other names: p.P370L:CCC>CTC; c.779C>T, p.Pro260Leu (NM_001080114.2); c.1124C>T, p.Pro375Leu (NM_001171610.2); c.920C>T, p.Pro307Leu (NM_001368064.1, NM_001368065.1); c.968C>T, p.Pro323Leu (NM_001368066.1); short protein forms P370L, P307L, P375L, P260L, P323L.
Identifiers: ClinVar variation 201846 (VCV000201846.4), dbSNP rs794729060, ClinGen allele CA308624.
Genomic context (GRCh38, chr10:86,709,928, plus strand): 5'-GTCCTTCTGGGTGTAACCCCTCCCCGCTTGGTTCCAGGCCCCAGGCCTCTTCCTACAGCC[C>T]CGCAGTGGCCGCCTCTTCAGCACCTGCCACCCACACCAGCTACAGTGAGGGCCCCGCCGC-3'
Protein context (NP_009009.1, residues 360-380): SPRPQASSYS[Pro370Leu]AVAASSAPAT